The following is an entry in ClinVar:

NM_001374353.1(GLI2):c.49del (p.Ser17fs)

Gene: GLI2 (GLI family zinc finger 2; plus strand). Cytogenetic location: 2q14.2.
Variant type: Deletion.
Coding change: c.49del on transcript NM_001374353.1 (MANE Select); coding-DNA position 49, one base deleted (A; older notation c.49delA).
Protein change: p.Ser17fs; shifts the reading frame from serine 17.
Molecular consequence: frameshift variant. On other transcripts: 5 prime UTR variant (1).
Genome position (GRCh38, 1-based): chr2:120,797,369, A deleted; the last of 4 consecutive A bases (chr2:120,797,366-120,797,369); deleting any one gives the same sequence. VCF-style (leftmost placement, unchanged base first): chr2-120797365-CA-C. GRCh37 (hg19) VCF-style: chr2-121554941-CA-C.
Other names: c.49del, p.Ser17fs (NM_001371271.1, NM_005270.5); c.-221del (NM_001374354.1); c.49del (NM_005270.4); short protein forms S17fs.
Identifiers: ClinVar variation 1371947 (VCV001371947.7), dbSNP rs2104696745, ClinGen allele CA2573133144.

ClinVar aggregate classification (germline): Pathogenic/Likely pathogenic. Review status: criteria provided, multiple submitters, no conflicts (2 of 4 stars). 2 submissions from 2 submitters: Pathogenic (1); Likely pathogenic (1). Last evaluated 2026-02-27.

Conditions:
Holoprosencephaly 9 (HPE9). Also called: HOLOPROSENCEPHALY WITH MICROPHTHALMIA AND FIRST BRANCHIAL ARCH ANOMALIES; PITUITARY ANOMALIES WITH HOLOPROSENCEPHALY-LIKE FEATURES. Identifiers: Orphanet 2162, MedGen C1835819, MONDO:0012563, OMIM 610829.
Postaxial polydactyly-anterior pituitary anomalies-facial dysmorphism syndrome. Also called: Culler-Jones syndrome. Identifiers: Orphanet 420584, MedGen C4014479, MONDO:0014369, OMIM 615849.

Submissions (2):

GeneDx
Classification: Likely pathogenic. Last evaluated: 2026-02-27. Review status: criteria provided, single submitter. Criteria: GeneDx Variant Classification Process June 2021. Collection method: clinical testing. Allele origin: germline.
Comment: Frameshift variant predicted to result in protein truncation or nonsense mediated decay in a gene for which loss of function is a known mechanism of disease; Not observed at significant frequency in large population cohorts (gnomAD); Has not been previously published as pathogenic or benign to our knowledge

Labcorp Genetics (formerly Invitae), Labcorp
Classification: Pathogenic for Postaxial polydactyly-anterior pituitary anomalies-facial dysmorphism syndrome; Holoprosencephaly 9. Last evaluated: 2022-05-06. Review status: criteria provided, single submitter. Criteria: Invitae Variant Classification Sherloc (09022015). Collection method: clinical testing. Allele origin: germline.
Comment: This sequence change creates a premature translational stop signal (p.Ser17Valfs*29) in the GLI2 gene. It is expected to result in an absent or disrupted protein product. Loss-of-function variants in GLI2 are known to be pathogenic (PMID: 20685856, 24744436). This variant is not present in population databases (gnomAD no frequency). This variant has not been reported in the literature in individuals affected with GLI2-related conditions. For these reasons, this variant has been classified as Pathogenic.

Literature cited by the submitters: PubMed 20685856 (cited by Labcorp Genetics (formerly Invitae), Labcorp); PubMed 24744436 (cited by Labcorp Genetics (formerly Invitae), Labcorp).